The following is an entry in ClinVar:

ClinVar aggregate classification (germline): Uncertain significance (1 of 4 stars; one submission).

Conditions:
Spondylodysplastic Ehlers-Danlos syndrome. Identifiers: Orphanet 536471, Orphanet 75496, MedGen C5680154, MONDO:0007526.

Submission:

Labcorp Genetics (formerly Invitae), Labcorp
Classification: Uncertain significance for Spondylodysplastic Ehlers-Danlos syndrome. Last evaluated: 2021-11-01. Review status: criteria provided, single submitter. Criteria: Invitae Variant Classification Sherloc (09022015). Collection method: clinical testing. Allele origin: germline.
Comment: In summary, the available evidence is currently insufficient to determine the role of this variant in disease. Therefore, it has been classified as a Variant of Uncertain Significance. Algorithms developed to predict the effect of missense changes on protein structure and function are either unavailable or do not agree on the potential impact of this missense change (SIFT: "Deleterious"; PolyPhen-2: "Benign"; Align-GVGD: "Class C0"). This variant has not been reported in the literature in individuals affected with B4GALT7-related conditions. This variant is present in population databases (no rsID available, gnomAD 0.006%). This sequence change replaces serine, which is neutral and polar, with phenylalanine, which is neutral and non-polar, at codon 30 of the B4GALT7 protein (p.Ser30Phe).

NM_007255.3(B4GALT7):c.89C>T (p.Ser30Phe)

Gene: B4GALT7 (beta-1,4-galactosyltransferase 7; plus strand). Cytogenetic location: 5q35.3.
Variant type: single nucleotide variant.
Coding change: c.89C>T on transcript NM_007255.3 (MANE Select); coding-DNA position 89, C replaced by T.
Protein change: p.Ser30Phe; replaces serine 30 with phenylalanine.
Molecular consequence: missense variant.
Genome position (GRCh38, 1-based): chr5:177,604,217, C>T. VCF-style: chr5-177604217-C-T. GRCh37 (hg19) VCF-style: chr5-177031218-C-T.
Other names: short protein forms S30F.
Identifiers: ClinVar variation 1423842 (VCV001423842.6), dbSNP rs1433445414, ClinGen allele CA362372522.